The following is an entry in ClinVar:

ClinVar aggregate classification (germline): Uncertain significance (1 of 4 stars; one submission).

Conditions:
B-cell immunodeficiency, distal limb anomalies, and urogenital malformations. Also called: HOFFMAN SYNDROME; BILU SYNDROME. Identifiers: Orphanet 567502, MedGen C1836437, MONDO:0012243, OMIM 609296.

Submission:

Clinical Genomics Laboratory, Washington University in St. Louis
Classification: Uncertain significance for B-cell immunodeficiency, distal limb anomalies, and urogenital malformations. Last evaluated: 2023-11-25. Review status: criteria provided, single submitter. Criteria: ACMG Guidelines, 2015. Collection method: clinical testing. Allele origin: germline.
Comment: The TOP2B c.3230dup (p.Leu1077PhefsTer13) variant, to our knowledge, has not been reported in the medical literature and is absent from the general population (gnomAD v.2.1.1), indicating it is not a common variant. This variant causes a frameshift by inserting one nucleotide, leading to a premature termination codon, which is predicted to lead to nonsense mediated decay. To date, truncating variants have not been associated with any disorder. Due to limited information, and based on ACMG/AMP guidelines for variant interpretation (Richards S et al., PMID: 25741868), the clinical significance of this variant is uncertain at this time. TOP2B is intolerant to loss of function variation (gnomAD browser).

NM_001330700.2(TOP2B):c.3230dup (p.Leu1077fs)

Gene: TOP2B (DNA topoisomerase II beta; minus strand). Cytogenetic location: 3p24.2.
Variant type: Duplication.
Coding change: c.3230dup on transcript NM_001330700.2 (MANE Select); coding-DNA position 3230, one base duplicated (T; older notation c.3230dupT).
Protein change: p.Leu1077fs; shifts the reading frame from leucine 1077.
Molecular consequence: frameshift variant.
Genome position (GRCh38, 1-based): chr3:25,618,683, A duplicated on the plus strand (T on the coding strand, the reverse complement: TOP2B is on the minus strand); the first of 4 consecutive A bases (chr3:25,618,683-25,618,686); duplicating any one gives the same sequence. VCF-style (leftmost placement, unchanged base first): chr3-25618682-T-TA. GRCh37 (hg19) VCF-style: chr3-25660173-T-TA.
Other names: c.3215dup, p.Leu1072fs (NM_001068.3); short protein forms L1072fs, L1077fs.
Identifiers: ClinVar variation 3236592 (VCV003236592.1), dbSNP rs2470323185, ClinGen allele CA2825001199.